The following is an entry in ClinVar:

NM_005359.6(SMAD4):c.643C>A (p.Pro215Thr)

Gene: SMAD4 (SMAD family member 4; plus strand). Cytogenetic location: 18q21.2.
Variant type: single nucleotide variant.
Coding change: c.643C>A on transcript NM_005359.6 (MANE Select); coding-DNA position 643, C replaced by A.
Protein change: p.Pro215Thr; replaces proline 215 with threonine.
Molecular consequence: missense variant.
Genome position (GRCh38, 1-based): chr18:51,054,969, C>A. VCF-style: chr18-51054969-C-A. GRCh37 (hg19) VCF-style: chr18-48581339-C-A.
Other names: c.643C>A, p.Pro215Thr (NM_001407041.1, NM_001407042.1, NM_001407043.1); short protein forms P215T.
Identifiers: ClinVar variation 1753525 (VCV001753525.3), dbSNP rs1064793270, ClinGen allele CA402461280.

ClinVar aggregate classification (germline): Uncertain significance. Review status: criteria provided, multiple submitters, no conflicts (2 of 4 stars). 2 submissions from 2 submitters: Uncertain significance (2). Last evaluated 2025-03-05.

Conditions:
Juvenile polyposis syndrome (JPS). Identifiers: Orphanet 2929, MedGen C0345893, MONDO:0017380, OMIM 174900.
Familial thoracic aortic aneurysm and aortic dissection (TAAD). Also called: Thoracic aortic aneurysms and dissections. Identifiers: Orphanet 91387, MedGen C4707243, MONDO:0019625.
Hereditary cancer-predisposing syndrome. Also called: Neoplastic Syndromes, Hereditary; Tumor predisposition; Hereditary neoplastic syndrome; Hereditary Cancer Syndrome. Identifiers: Orphanet 140162, MedGen C0027672, MeSH D009386, MONDO:0015356.

Submissions (2):

Labcorp Genetics (formerly Invitae), Labcorp
Classification: Uncertain significance for Juvenile polyposis syndrome. Last evaluated: 2025-03-05. Review status: criteria provided, single submitter. Criteria: Invitae Variant Classification Sherloc (09022015). Collection method: clinical testing. Allele origin: germline.
Comment: This sequence change replaces proline, which is neutral and non-polar, with threonine, which is neutral and polar, at codon 215 of the SMAD4 protein (p.Pro215Thr). This variant is not present in population databases (gnomAD no frequency). This variant has not been reported in the literature in individuals affected with SMAD4-related conditions. ClinVar contains an entry for this variant (Variation ID: 1753525). Invitae Evidence Modeling of protein sequence and biophysical properties (such as structural, functional, and spatial information, amino acid conservation, physicochemical variation, residue mobility, and thermodynamic stability) indicates that this missense variant is not expected to disrupt SMAD4 protein function with a negative predictive value of 95%. In summary, the available evidence is currently insufficient to determine the role of this variant in disease. Therefore, it has been classified as a Variant of Uncertain Significance.

Ambry Genetics
Classification: Uncertain significance for Hereditary cancer-predisposing syndrome; Familial thoracic aortic aneurysm and aortic dissection. Last evaluated: 2022-02-15. Review status: criteria provided, single submitter. Criteria: Ambry Variant Classification Scheme 2023. Collection method: clinical testing. Allele origin: germline.
Comment: The p.P215T variant (also known as c.643C>A), located in coding exon 4 of the SMAD4 gene, results from a C to A substitution at nucleotide position 643. The proline at codon 215 is replaced by threonine, an amino acid with highly similar properties. This amino acid position is conserved. In addition, the in silico prediction for this alteration is inconclusive. Since supporting evidence is limited at this time, the clinical significance of this alteration remains unclear.